The following is an entry in ClinVar:

NM_001365276.2(TNXB):c.482G>A (p.Gly161Asp)

Gene: TNXB (tenascin XB; minus strand). Cytogenetic location: 6p21.33.
Variant type: single nucleotide variant.
Coding change: c.482G>A on transcript NM_001365276.2 (MANE Select); coding-DNA position 482, G replaced by A.
Protein change: p.Gly161Asp; replaces glycine 161 with aspartic acid.
Molecular consequence: missense variant.
Genome position (GRCh38, 1-based): chr6:32,097,371, C>T on the plus strand (G>A on the coding strand, the complement: TNXB is on the minus strand). VCF-style: chr6-32097371-C-T. GRCh37 (hg19) VCF-style: chr6-32065148-C-T.
Other names: c.482G>A, p.Gly161Asp (NM_019105.8); short protein forms G161D.
Identifiers: ClinVar variation 1306028 (VCV001306028.2), dbSNP rs2127293410, ClinGen allele CA363488242.

ClinVar aggregate classification (germline): Uncertain significance (1 of 4 stars; one submission).

Submission:

GeneDx
Classification: Uncertain significance. Last evaluated: 2019-05-17. Review status: criteria provided, single submitter. Criteria: GeneDx Variant Classification Process June 2021. Collection method: clinical testing. Allele origin: germline. Affected: yes.
Comment: Has not been previously published as pathogenic or benign to our knowledge; Not observed in large population cohorts (Lek et al., 2016); In silico analysis, which includes protein predictors and evolutionary conservation, supports a deleterious effect